The following is an entry in ClinVar:

NC_000007.13:g.(117232712_117234983)_(117235113_117242879)del

Gene: CFTR (CF transmembrane conductance regulator; plus strand). Cytogenetic location: 7q31.2.
Variant type: Deletion.
Identifiers: ClinVar variation 3768076 (VCV003768076.1).

ClinVar aggregate classification (germline): Pathogenic (1 of 4 stars; one submission).

Conditions:
Cystic fibrosis (CF). Also called: MUCOVISCIDOSIS. Identifiers: Orphanet 586, MedGen C0010674, MONDO:0009061, OMIM 219700. Disease mechanism: loss of function.

Submission:

Women's Health and Genetics/Laboratory Corporation of America, LabCorp
Classification: Pathogenic for Cystic fibrosis. Last evaluated: 2024-12-12. Review status: criteria provided, single submitter. Criteria: LabCorp Variant Classification Summary - May 2015. Collection method: clinical testing. Allele origin: germline.
Comment: Variant summary: The variant involves the deletion of exon 15 (also reported as exon 14a with legacy nomenclature) in the CFTR gene. A presumed nomenclature of c.(2490+1_2491-1)_(2619+1_2620-1)del has been designated for the purposes of this classification. This Copy Number Variant (CNV) is predicted to result in an in-frame deletion within this gene. The variant was absent in 21694 control chromosomes. Similar copy number variants deleting exon 15 have been reported in the literature in multiple individuals affected with Cystic Fibrosis (example, Sohn_2019, Mickle_1998). These data indicate that the variant is likely to be associated with disease. Further, this deletion encompasses a variant previously classified as likely pathogenic/pathogenic at Labcorp (p.Arg851Leu), suggesting that loss of this region is deleterious. To our knowledge, no experimental evidence demonstrating an impact on protein function has been reported. The following publications have been ascertained in the context of this evaluation (PMID: 31136843, 9499426). ClinVar contains an entry for a similar copy number variant (Variation ID: 1498247). Based on the evidence outlined above, the variant was classified as pathogenic.

Literature cited by the submitters: PubMed 9499426; PubMed 31136843.